The following is an entry in ClinVar:

NM_001040142.2(SCN2A):c.1055T>C (p.Ile352Thr)

Gene: SCN2A (sodium voltage-gated channel alpha subunit 2; plus strand). Cytogenetic location: 2q24.3.
Variant type: single nucleotide variant.
Coding change: c.1055T>C on transcript NM_001040142.2 (MANE Select); coding-DNA position 1055, T replaced by C.
Protein change: p.Ile352Thr; replaces isoleucine 352 with threonine.
Molecular consequence: missense variant.
Genome position (GRCh38, 1-based): chr2:165,313,640, T>C. VCF-style: chr2-165313640-T-C. GRCh37 (hg19) VCF-style: chr2-166170150-T-C.
Other names: p.I352T:ATC>ACC; c.1055T>C, p.Ile352Thr (NM_001040143.2, NM_001371246.1, NM_001371247.1 and 1 more transcripts); short protein forms I352T.
Identifiers: ClinVar variation 207048 (VCV000207048.2), dbSNP rs796053176, ClinGen allele CA318099.

ClinVar aggregate classification (germline): Uncertain significance (1 of 4 stars; one submission).

Allele frequency attached by ClinVar (database versions not stated): gnomAD exomes below 0.00001; TOPMed below 0.00001.
gnomAD v4.1: 1 of 1,613,576 alleles (0.000062%); highest among the groups gnomAD compares: Non-Finnish European, 0.000085%; no homozygotes.

Submission:

GeneDx
Classification: Uncertain significance. Last evaluated: 2013-06-24. Review status: criteria provided, single submitter. Criteria: GeneDx Variant Classification (06012015). Collection method: clinical testing. Allele origin: germline. Affected: yes.
Comment: The Ile352Thr missense change has not been published as a mutation, nor has it been reported as a benign polymorphism to our knowledge. It was not observed in approximately 6,500 individuals of European and African American ancestry in the NHLBI Exome Sequencing Project, indicating it is not a common benign variant in these populations. Ile352Thr is a non-conservative amino acid substitution as a non-polar Isoleucine residue is replaced with a polar Threonine residue. It alters a poorly conserved position in the loop between the S5 and S6 segments of the first transmembrane domain. In silico algorithms are not consistent in their predictions of whether or nor Ile352Thr is damaging to the structure/function of the SCN2A protein. Some individuals with SCN2A mutations have been reported to be unaffected due to incomplete penetrance (Berkovic et al., 2004). Additionally, there is evidence that the presence of variants in other ion channel proteins may influence the phenotype (Klassen et al., 2011). The variant is found in CHILD-EPI panel(s).